The following is an entry in ClinVar:

ClinVar aggregate classification (germline): Likely benign (1 of 4 stars; one submission).

Submission:

GeneDx
Classification: Likely benign. Last evaluated: 2017-07-14. Review status: criteria provided, single submitter. Criteria: GeneDx Variant Classification (06012015). Collection method: clinical testing. Allele origin: germline. Affected: yes.
Comment: This variant is considered likely benign or benign based on one or more of the following criteria: it is a conservative change, it occurs at a poorly conserved position in the protein, it is predicted to be benign by multiple in silico algorithms, and/or has population frequency not consistent with disease.

NM_001854.4(COL11A1):c.3979-10C>T

Gene: COL11A1 (collagen type XI alpha 1 chain; minus strand). Cytogenetic location: 1p21.1.
Variant type: single nucleotide variant.
Coding change: c.3979-10C>T on transcript NM_001854.4 (MANE Select); 10 bases into the intron before coding-DNA position 3979, C replaced by T.
Molecular consequence: intron variant.
Genome position (GRCh38, 1-based): chr1:102,913,700, G>A on the plus strand (C>T on the coding strand, the complement: COL11A1 is on the minus strand). VCF-style: chr1-102913700-G-A. GRCh37 (hg19) VCF-style: chr1-103379256-G-A.
Other names: c.3862-10C>T (NM_001190709.2); c.4015-10C>T (NM_080629.3); c.3631-10C>T (NM_080630.4).
Identifiers: ClinVar variation 510826 (VCV000510826.1), dbSNP rs1553200898, ClinGen allele CA658795492.